The following is an entry in ClinVar:

NM_182710.3(KAT5):c.877C>T (p.Leu293Phe)

Gene: KAT5 (lysine acetyltransferase 5; plus strand). Cytogenetic location: 11q13.1.
Variant type: single nucleotide variant.
Coding change: c.877C>T on transcript NM_182710.3 (MANE Select); coding-DNA position 877, C replaced by T.
Protein change: p.Leu293Phe; replaces leucine 293 with phenylalanine.
Molecular consequence: missense variant.
Genome position (GRCh38, 1-based): chr11:65,714,681, C>T. VCF-style: chr11-65714681-C-T. GRCh37 (hg19) VCF-style: chr11-65482152-C-T.
Other names: c.721C>T, p.Leu241Phe (NM_001206833.2); c.778C>T, p.Leu260Phe (NM_006388.4); c.622C>T, p.Leu208Phe (NM_182709.3); short protein forms L260F, L293F, L241F, L208F.
Identifiers: ClinVar variation 4993331 (VCV004993331.1).

ClinVar aggregate classification (germline): Uncertain significance (1 of 4 stars; one submission).

Conditions:
KAT5-related disorder. Also called: KAT5-related condition.

Submission:

PreventionGenetics, part of Exact Sciences
Classification: Uncertain significance for KAT5-related condition. Last evaluated: 2025-08-21. Review status: criteria provided, single submitter. Criteria: ACMG Guidelines, 2015. Collection method: clinical testing. Allele origin: germline.
Comment: The KAT5 c.877C>T variant is predicted to result in the amino acid substitution p.Leu293Phe. To our knowledge, this variant has not been reported in the literature or in a large population database (gnomAD), indicating this variant is rare. At this time, the clinical significance of this variant is uncertain due to the absence of conclusive functional and genetic evidence.